The following is an entry in ClinVar:

ClinVar aggregate classification (germline): Conflicting classifications of pathogenicity. Review status: criteria provided, conflicting classifications (1 of 4 stars). 11 submissions from 11 submitters: Uncertain significance (7); Likely benign (4). Last evaluated 2026-03-19.

Conditions:
Cardiovascular phenotype. Identifiers: MedGen CN230736.
Cardiomyopathy (CMYO). Also called: Cardiomyopathies. Identifiers: Orphanet 167848, MedGen C0878544, MONDO:0004994, HP:0001638. Inheritance: Various modes of inheritance.
Dilated cardiomyopathy 1DD (CMD1DD). Identifiers: Orphanet 154, MedGen C2750995, MONDO:0013168, OMIM 613172.

Allele frequency attached by ClinVar (database versions not stated): ExAC 0.00009; gnomAD 0.00010; 1000 Genomes Project 0.00040; 1000 Genomes Project 30x 0.00047.
gnomAD v4.1: 110 of 1,551,766 alleles (0.0071%); highest among the groups gnomAD compares: Admixed American, 0.02%; no homozygotes.

Submissions (11):

Ambry Genetics
Classification: Uncertain significance for Cardiovascular phenotype. Last evaluated: 2026-03-19. Review status: criteria provided, single submitter. Criteria: Ambry Variant Classification Scheme 2023. Collection method: clinical testing. Allele origin: germline.
Comment: The c.2761A>G (p.I921V) alteration is located in exon 11 (coding exon 11) of the RBM20 gene. This alteration results from a A to G substitution at nucleotide position 2761, causing the isoleucine (I) at amino acid position 921 to be replaced by a valine (V). Based on data from gnomAD, the G allele has an overall frequency of 0.007% (14/188006) total alleles studied. The highest observed frequency was 0.016% (12/76016) of European (non-Finnish) alleles. Based on insufficient or conflicting evidence, the clinical significance of this alteration remains unclear.

Labcorp Genetics (formerly Invitae), Labcorp
Classification: Likely benign for Dilated cardiomyopathy 1DD. Last evaluated: 2026-01-24. Review status: criteria provided, single submitter. Criteria: Invitae Variant Classification Sherloc (09022015). Collection method: clinical testing. Allele origin: germline.

Molecular Diagnostic Laboratory for Inherited Cardiovascular Disease, Montreal Heart Institute
Classification: Uncertain significance for Cardiovascular phenotype. Last evaluated: 2025-04-09. Review status: criteria provided, single submitter. Criteria: ACMG Guidelines, 2015. Collection method: clinical testing. Allele origin: germline. Affected: yes.
Comment: BS2

Blueprint Genetics
Classification: Likely benign. Last evaluated: 2024-05-08. Review status: criteria provided, single submitter. Criteria: ACMG Guidelines, 2015. Collection method: clinical testing. Allele origin: germline.

Women's Health and Genetics/Laboratory Corporation of America, LabCorp
Classification: Likely benign. Last evaluated: 2024-01-16. Review status: criteria provided, single submitter. Criteria: LabCorp Variant Classification Summary - May 2015. Collection method: clinical testing. Allele origin: germline.
Comment: Variant summary: RBM20 c.2761A>G (p.Ile921Val) results in a conservative amino acid change in the encoded protein sequence. Three of five in-silico tools predict a damaging effect of the variant on protein function. The variant allele was found at a frequency of 7.4e-05 in 188006 control chromosomes, predominantly at a frequency of 0.00016 within the Non-Finnish European subpopulation in the gnomAD database (v4.0.0). The observed variant frequency within Non-Finnish European control individuals in the gnomAD database is approximately 3 fold of the estimated maximal expected allele frequency for a pathogenic variant in RBM20 causing Dilated Cardiomyopathy phenotype (4.7e-05), strongly suggesting that the variant is a benign polymorphism found primarily in populations of Non-Finnish European origin. To our knowledge, no occurrence of c.2761A>G in individuals affected with Dilated Cardiomyopathy and no experimental evidence demonstrating its impact on protein function have been reported. ClinVar contains an entry for this variant (Variation ID: 43999). Based on the evidence outlined above, the variant was classified as likely benign.

CeGaT Center for Human Genetics Tuebingen
Classification: Likely benign. Last evaluated: 2024-01-01. Review status: criteria provided, single submitter. Criteria: CeGaT Center For Human Genetics Tuebingen Variant Classification Criteria Version 2. Collection method: clinical testing. Allele origin: germline. Affected: yes. Observed: 1 variant allele.

GeneDx
Classification: Uncertain significance. Last evaluated: 2023-11-02. Review status: criteria provided, single submitter. Criteria: GeneDx Variant Classification Process June 2021. Collection method: clinical testing. Allele origin: germline. Affected: yes.
Comment: Has not been previously published as pathogenic or benign to our knowledge; In silico analysis supports that this missense variant does not alter protein structure/function

Fulgent Genetics
Classification: Uncertain significance for Dilated cardiomyopathy 1DD. Last evaluated: 2021-09-06. Review status: criteria provided, single submitter. Criteria: ACMG Guidelines, 2015. Collection method: clinical testing. Allele origin: unknown.

CHEO Genetics Diagnostic Laboratory, Children's Hospital of Eastern Ontario
Classification: Uncertain significance for Cardiomyopathy. Last evaluated: 2021-06-16. Review status: criteria provided, single submitter. Criteria: ACMG Guidelines, 2015. Collection method: clinical testing. Allele origin: germline.

Laboratory for Molecular Medicine, Mass General Brigham Personalized Medicine
Classification: Uncertain significance. Last evaluated: 2012-11-26. Review status: criteria provided, single submitter. Criteria: LMM Criteria. Collection method: clinical testing. Allele origin: germline. Observed: 1 variant allele.
Comment: The Ile921Val variant in RBM20 has not been reported in the literature nor previ ously identified by our laboratory. This variant has also not been identified in large and broad European American and African American populations by the NHLBI Exome Sequencing Project, though this low fr equency is insufficient to assess the clinical significance of this variant. Com putational analyses (biochemical amino acid properties, conservation, AlignGVGD, PolyPhen2, and SIFT) do not provide strong support for or against an impact to the protein. In summary, additional studies are needed to fully assess the clini cal significance of this variant.

Laboratory of Genetics and Molecular Cardiology, University of São Paulo
Classification: Uncertain significance for Cardiomyopathy. Review status: criteria provided, single submitter. Criteria: LGCM Criteria August 2015. Collection method: clinical testing. Allele origin: germline. Affected: yes. Observed: 1 variant allele. Study: Sarcomeric Human Cardiomyopathy Registry (ShaRe).

NM_001134363.3(RBM20):c.2761A>G (p.Ile921Val)

Gene: RBM20 (RNA binding motif protein 20; plus strand). Cytogenetic location: 10q25.2.
Variant type: single nucleotide variant.
Coding change: c.2761A>G on transcript NM_001134363.3 (MANE Select); coding-DNA position 2761, A replaced by G.
Protein change: p.Ile921Val; replaces isoleucine 921 with valine.
Molecular consequence: missense variant.
Genome position (GRCh38, 1-based): chr10:110,821,380, A>G. VCF-style: chr10-110821380-A-G. GRCh37 (hg19) VCF-style: chr10-112581138-A-G.
Other names: short protein forms I921V.
Identifiers: ClinVar variation 43999 (VCV000043999.47), dbSNP rs397516608, ClinGen allele CA133341.
Genomic context (GRCh38, chr10:110,821,380, plus strand): 5'-TATCCCACTAACATGGAGGAGCTGGTGACAGTGGACGAGGTTGGGGAAGAAGAAGATTTT[A>G]TCGTGGAACCAGACATCCCAGAGCTGGAAGAAATTGTGCCCATTGACCAGAAAGACAAAA-3'
Protein context (NP_001127835.2, residues 911-931): VDEVGEEEDF[Ile921Val]VEPDIPELEE